The following is an entry in ClinVar:

ClinVar aggregate classification (germline): Likely benign. Review status: criteria provided, multiple submitters, no conflicts (2 of 4 stars). 4 submissions from 3 submitters: Likely benign (4). Last evaluated 2023-11-04.

Conditions:
Retinitis pigmentosa 39 (RP39). Identifiers: Orphanet 791, MedGen C3151138, MONDO:0013436, OMIM 613809.
Usher syndrome type 2A. Also called: USHER SYNDROME, TYPE IIA; RETINAL DISEASE IN USHER SYNDROME TYPE IIA, MODIFIER OF. Identifiers: Orphanet 231178, Orphanet 886, MedGen C1848634, MONDO:0010169, OMIM 276901.

Allele frequency attached by ClinVar (database versions not stated): gnomAD exomes below 0.00001; TOPMed below 0.00001.
gnomAD v4.1: 1 of 1,613,198 alleles (0.000062%); highest among the groups gnomAD compares: South Asian, 0.0011%; no homozygotes.

Submissions (4):

Genome-Nilou Lab
Classification: Likely benign for Retinitis pigmentosa 39. Last evaluated: 2023-11-04. Review status: criteria provided, single submitter. Criteria: ACMG Guidelines, 2015. Collection method: clinical testing. Allele origin: germline. Affected: no.

Genome-Nilou Lab
Classification: Likely benign for Usher syndrome type 2A. Last evaluated: 2023-11-04. Review status: criteria provided, single submitter. Criteria: ACMG Guidelines, 2015. Collection method: clinical testing. Allele origin: germline. Affected: no.

Labcorp Genetics (formerly Invitae), Labcorp
Classification: Likely benign. Last evaluated: 2020-02-02. Review status: criteria provided, single submitter. Criteria: Invitae Variant Classification Sherloc (09022015). Collection method: clinical testing. Allele origin: germline.

Laboratory for Molecular Medicine, Mass General Brigham Personalized Medicine
Classification: Likely benign. Last evaluated: 2018-02-14. Review status: criteria provided, single submitter. Criteria: LMM Criteria. Collection method: clinical testing. Allele origin: germline. Observed: 1 variant allele.
Comment: p.Pro433Pro in exon 7 of USH2A: This variant is not expected to have clinical si gnificance because it does not alter an amino acid residue, is not located withi n the splice consensus sequence and splice prediction algorithms do not predict a newly created splice site. ACMG/AMP Criteria applied: BP4; BP7; PM2.

NM_206933.4(USH2A):c.1299T>C (p.Pro433=)

Gene: USH2A (usherin; minus strand). Cytogenetic location: 1q41.
Variant type: single nucleotide variant.
Coding change: c.1299T>C on transcript NM_206933.4 (MANE Select); coding-DNA position 1299, T replaced by C.
Protein change: p.Pro433=; no amino-acid change (proline 433 retained).
Molecular consequence: synonymous variant.
Genome position (GRCh38, 1-based): chr1:216,324,197, A>G on the plus strand (T>C on the coding strand, the complement: USH2A is on the minus strand). VCF-style: chr1-216324197-A-G. GRCh37 (hg19) VCF-style: chr1-216497539-A-G.
Other names: c.1299T>C, p.Pro433= (NM_007123.6).
Identifiers: ClinVar variation 667183 (VCV000667183.14), dbSNP rs1571702060, ClinGen allele CA423397849.